The following is an entry in ClinVar:

NM_024675.4(PALB2):c.2659_2660del (p.Ile887fs)

Gene: PALB2 (partner and localizer of BRCA2; minus strand). Cytogenetic location: 16p12.2.
Variant type: Deletion.
Coding change: c.2659_2660del on transcript NM_024675.4 (MANE Select); coding-DNA positions 2659 to 2660, 2 bases deleted (AT; older notation c.2659_2660delAT).
Protein change: p.Ile887fs; shifts the reading frame from isoleucine 887.
Molecular consequence: frameshift variant. On other transcripts: intron variant (3).
Genome position (GRCh38, 1-based): chr16:23,626,324-23,626,325, AT deleted on the plus strand (AT on the coding strand, the reverse complement: PALB2 is on the minus strand); deleting any 2 consecutive bases within chr16:23,626,324-23,626,326 gives the same sequence; the c. name uses the placement nearest the transcript's 3' end. VCF-style (leftmost placement, unchanged base first): chr16-23626323-GAT-G. GRCh37 (hg19) VCF-style: chr16-23637644-GAT-G.
Other names: c.2599_2600del, p.Ile867fs (NM_001407296.1); c.2587_2588del, p.Ile863fs (NM_001407297.1); c.2659_2660del, p.Ile887fs (NM_001407299.1, NM_001407300.1, NM_001407301.1); c.1774_1775del, p.Ile592fs (NM_001407304.1, NM_001407305.1, NM_001407306.1 and 4 more transcripts); c.871_872del, p.Ile291fs (NM_001407312.1, NM_001407313.1); c.193_194del, p.Ile65fs (NM_001407314.1); c.2587-2231_2587-2230del (NM_001407302.1, NM_001407298.1); c.1702-2231_1702-2230del (NM_001407307.1); short protein forms I291fs, I592fs, I65fs, I863fs, I867fs, I887fs.
Identifiers: ClinVar variation 3767108 (VCV003767108.3).
Genomic context (GRCh38, chr16:23,626,323, plus strand): 5'-TTCCCACTGCCAAGCATCCAGAGCTTTCCAAAGAGAAACTACATCTTCGCAAGCAGTTAT[GAT>G]ACATGGCTCTTTACAACCGGCTCTTTCCCAAAACATGGCACTCACATCTACGGAACAGGA-3'

ClinVar aggregate classification (germline): Likely pathogenic (1 of 4 stars; one submission).

Conditions:
Fanconi anemia complementation group N. Also called: PALB2-Related Fanconi Anemia. Identifiers: Orphanet 84, MedGen C1835817, MONDO:0012565, OMIM 610832. Disease mechanism: loss of function.
Breast-ovarian cancer, familial, susceptibility to, 5 (BROVCA5). Identifiers: MedGen C5830615, MONDO:0957530, OMIM 620442.
Pancreatic cancer, susceptibility to, 3. Identifiers: Orphanet 1333, MedGen C3150547, MONDO:0013236, OMIM 613348.

Submission:

Juno Genomics, Hangzhou Juno Genomics, Inc
Classification: Likely pathogenic for Breast-ovarian cancer, familial, susceptibility to, 5; Pancreatic cancer, susceptibility to, 3; Fanconi anemia complementation group N. Review status: criteria provided, single submitter. Criteria: ACMG Guidelines, 2015. Collection method: clinical testing. Allele origin: germline.
Comment: Absent from controls (or at extremely low frequency if recessive) in Genome Aggregation Database.;Null variant in a gene where loss of function (LOF) is a known mechanism of disease.